The following is an entry in ClinVar:

ClinVar aggregate classification (germline): Uncertain significance. Review status: criteria provided, multiple submitters, no conflicts (2 of 4 stars). 4 submissions from 4 submitters: Uncertain significance (4). Last evaluated 2024-03-31.

Allele frequency attached by ClinVar (database versions not stated): gnomAD 0.00032 and 0.00035; ESP Exome Variant Server 0.00054; gnomAD exomes 0.00003 and 0.00008; ExAC 0.00011; TOPMed 0.00031.

Submissions (5):

Ambry Genetics
Classification: Uncertain significance. Last evaluated: 2024-03-31. Review status: criteria provided, single submitter. Criteria: Ambry Variant Classification Scheme 2023. Collection method: clinical testing. Allele origin: germline.

GeneDx
Classification: Uncertain significance. Last evaluated: 2023-10-25. Review status: criteria provided, single submitter. Criteria: GeneDx Variant Classification Process June 2021. Collection method: clinical testing. Allele origin: germline. Affected: yes.
Comment: In silico analysis supports that this missense variant has a deleterious effect on protein structure/function; Has not been previously published as pathogenic or benign to our knowledge

Labcorp Genetics (formerly Invitae), Labcorp
Classification: Uncertain significance. Last evaluated: 2022-09-13. Review status: criteria provided, single submitter. Criteria: Invitae Variant Classification Sherloc (09022015). Collection method: clinical testing. Allele origin: germline.
Comment: This variant has not been reported in the literature in individuals affected with CYC1-related conditions. In summary, the available evidence is currently insufficient to determine the role of this variant in disease. Therefore, it has been classified as a Variant of Uncertain Significance. Algorithms developed to predict the effect of missense changes on protein structure and function are either unavailable or do not agree on the potential impact of this missense change (SIFT: "Deleterious"; PolyPhen-2: "Benign"; Align-GVGD: "Class C0"). ClinVar contains an entry for this variant (Variation ID: 235748). This variant is present in population databases (rs145475815, gnomAD 0.1%), and has an allele count higher than expected for a pathogenic variant. This sequence change replaces histidine, which is basic and polar, with tyrosine, which is neutral and polar, at codon 205 of the CYC1 protein (p.His205Tyr).

Center for Pediatric Genomic Medicine, Children's Mercy Hospital and Clinics
Classification: Uncertain significance. Last evaluated: 2015-09-25. Review status: criteria provided, single submitter. Criteria: ACMG Guidelines, 2015. Collection method: clinical testing. Allele origin: germline.
ClinVar note: Converted during submission from Uncertain Significance to Uncertain significance.

Dr. Peter K. Rogan Lab, Western University
No classification provided (evidence only). Condition: Lung cancer. Review status: no classification provided. Collection method: in vitro. Allele origin: not applicable. Functional consequence: retained intron. Not counted in ClinVar's aggregate classification.

NM_001916.5(CYC1):c.613C>T (p.His205Tyr)

Gene: CYC1 (cytochrome c1; plus strand). Cytogenetic location: 8q24.3.
Variant type: single nucleotide variant.
Coding change: c.613C>T on transcript NM_001916.5 (MANE Select); coding-DNA position 613, C replaced by T.
Protein change: p.His205Tyr; replaces histidine 205 with tyrosine.
Molecular consequence: missense variant.
Genome position (GRCh38, 1-based): chr8:144,096,585, C>T. VCF-style: chr8-144096585-C-T. GRCh37 (hg19) VCF-style: chr8-145151488-C-T.
Other names: c.613C>T (NM_001916.3, NM_001916.4); short protein forms H205Y.
Identifiers: ClinVar variation 235748 (VCV000235748.10), dbSNP rs145475815, ClinGen allele CA4933461.